The following is an entry in ClinVar:

NM_003718.5(CDK13):c.233C>T (p.Ser78Phe)

Genes: CDK13 (cyclin dependent kinase 13; plus strand), LOC129998292 (ATAC-STARR-seq lymphoblastoid silent region 18115; plus strand). Cytogenetic location: 7p14.1.
Variant type: single nucleotide variant.
Coding change: c.233C>T on transcript NM_003718.5 (MANE Select); coding-DNA position 233, C replaced by T.
Protein change: p.Ser78Phe; replaces serine 78 with phenylalanine.
Molecular consequence: missense variant.
Genome position (GRCh38, 1-based): chr7:39,950,874, C>T. VCF-style: chr7-39950874-C-T. GRCh37 (hg19) VCF-style: chr7-39990473-C-T.
Other names: c.233C>T, p.Ser78Phe (NM_031267.4); short protein forms S78F.
Identifiers: ClinVar variation 2784863 (VCV002784863.3), dbSNP rs1465225798, ClinGen allele CA367309024.
Genomic context (GRCh38, chr7:39,950,874, plus strand): 5'-TGCTCTTCCTGGCTGCTCCCGGCACGGCCGCCGCCGCAGCCGCCGCCGCCGCGGCCTCCT[C>T]CTCTTGCTTCAGCCCGGGCCCCCCTCTGGAGGTCAAGCGGCTGGCGAGAGGCAAGAGGCG-3'
Protein context (NP_003709.3, residues 68-88): AAAAAAAAAS[Ser78Phe]SCFSPGPPLE

ClinVar aggregate classification (germline): Uncertain significance (1 of 4 stars; one submission).

Allele frequency attached by ClinVar (database versions not stated): gnomAD 0.00001; gnomAD exomes 0.00001.
gnomAD v4.1: 11 of 1,364,766 alleles (0.00081%); highest among the groups gnomAD compares: African/African-American, 0.0015%; no homozygotes.

Submission:

Labcorp Genetics (formerly Invitae), Labcorp
Classification: Uncertain significance. Last evaluated: 2024-11-18. Review status: criteria provided, single submitter. Criteria: Invitae Variant Classification Sherloc (09022015). Collection method: clinical testing. Allele origin: germline.
Comment: This sequence change replaces serine, which is neutral and polar, with phenylalanine, which is neutral and non-polar, at codon 78 of the CDK13 protein (p.Ser78Phe). This variant is not present in population databases (gnomAD no frequency). This variant has not been reported in the literature in individuals affected with CDK13-related conditions. ClinVar contains an entry for this variant (Variation ID: 2784863). Invitae Evidence Modeling of protein sequence and biophysical properties (such as structural, functional, and spatial information, amino acid conservation, physicochemical variation, residue mobility, and thermodynamic stability) indicates that this missense variant is not expected to disrupt CDK13 protein function with a negative predictive value of 95%. In summary, the available evidence is currently insufficient to determine the role of this variant in disease. Therefore, it has been classified as a Variant of Uncertain Significance.